The following is an entry in ClinVar:

ClinVar aggregate classification (germline): Uncertain significance (1 of 4 stars; one submission).

Allele frequency attached by ClinVar (database versions not stated): gnomAD exomes below 0.00001.
gnomAD v4.1: 4 of 1,550,238 alleles (0.00026%); highest among the groups gnomAD compares: Non-Finnish European, 0.00035%; no homozygotes.

Submission:

Labcorp Genetics (formerly Invitae), Labcorp
Classification: Uncertain significance. Last evaluated: 2022-05-17. Review status: criteria provided, single submitter. Criteria: Invitae Variant Classification Sherloc (09022015). Collection method: clinical testing. Allele origin: germline.
Comment: In summary, the available evidence is currently insufficient to determine the role of this variant in disease. Therefore, it has been classified as a Variant of Uncertain Significance. Algorithms developed to predict the effect of missense changes on protein structure and function are either unavailable or do not agree on the potential impact of this missense change (SIFT: "Deleterious"; PolyPhen-2: "Probably Damaging"; Align-GVGD: "Class C0"). This variant has not been reported in the literature in individuals affected with OTOG-related conditions. This variant is not present in population databases (gnomAD no frequency). This sequence change replaces asparagine, which is neutral and polar, with serine, which is neutral and polar, at codon 2761 of the OTOG protein (p.Asn2761Ser).

NM_001292063.2(OTOG):c.8246A>G (p.Asn2749Ser)

Gene: OTOG (otogelin; plus strand). Cytogenetic location: 11p15.1.
Variant type: single nucleotide variant.
Coding change: c.8246A>G on transcript NM_001292063.2 (MANE Select); coding-DNA position 8246, A replaced by G.
Protein change: p.Asn2749Ser; replaces asparagine 2749 with serine.
Molecular consequence: missense variant.
Genome position (GRCh38, 1-based): chr11:17,641,902, A>G. VCF-style: chr11-17641902-A-G. GRCh37 (hg19) VCF-style: chr11-17663449-A-G.
Other names: c.8282A>G, p.Asn2761Ser (NM_001277269.2); short protein forms N2761S, N2749S.
Identifiers: ClinVar variation 2116949 (VCV002116949.4), dbSNP rs2497644908, ClinGen allele CA379785668.
Genomic context (GRCh38, chr11:17,641,902, plus strand): 5'-TGTAGAACCAGGAGTACGAGCACCCGCGGGACCTCGCTGCCTGCTGCGGCTCCTGCAGGA[A>G]CGTGTCCTGTCTCTTCACCTTCCCCAATGGCACCACCTCCCTGTTCTTGGTAAGCAGCCC-3'
Protein context (NP_001278992.1, residues 2739-2759): DLAACCGSCR[Asn2749Ser]VSCLFTFPNG